The following is an entry in ClinVar:

ClinVar aggregate classification (germline): Benign/Likely benign. Review status: criteria provided, multiple submitters, no conflicts (2 of 4 stars). 8 submissions from 8 submitters: Benign (3); Likely benign (3). 2 of the submissions do not count toward it. Last evaluated 2026-01-31.

Conditions:
Severe early-onset pulmonary alveolar proteinosis due to MARS deficiency. Also called: PULMONARY ALVEOLAR PROTEINOSIS, REUNION ISLAND; Interstitial lung and liver disease. Identifiers: Orphanet 440427, MedGen C4225400, MONDO:0014206, OMIM 615486.
Charcot-Marie-Tooth disease axonal type 2U. Also called: CHARCOT-MARIE-TOOTH NEUROPATHY, TYPE 2U; CHARCOT-MARIE-TOOTH DISEASE, AXONAL, AUTOSOMAL DOMINANT, TYPE 2U. Identifiers: Orphanet 397735, MedGen C4084821, MONDO:0014566, OMIM 616280.
Charcot-Marie-Tooth disease. Also called: Charcot-Marie-Tooth Neuropathy; Charcot-Marie-Tooth Hereditary Neuropathy. Identifiers: Orphanet 166, MedGen C0007959, MONDO:0015626.

Allele frequency attached by ClinVar (database versions not stated): gnomAD 0.00217 and 0.00223; ESP Exome Variant Server 0.00238; TOPMed 0.00246; gnomAD exomes 0.00279 and 0.00348; ExAC 0.00325; 1000 Genomes Project 0.00040; 1000 Genomes Project 30x 0.00062.
gnomAD v4.1: 5,362 of 1,614,130 alleles (0.33%); highest among the groups gnomAD compares: Non-Finnish European, 0.4%; 14 homozygotes.

Submissions (8):

Labcorp Genetics (formerly Invitae), Labcorp
Classification: Benign for Charcot-Marie-Tooth disease axonal type 2U; Severe early-onset pulmonary alveolar proteinosis due to MARS deficiency. Last evaluated: 2026-01-31. Review status: criteria provided, single submitter. Criteria: Invitae Variant Classification Sherloc (09022015). Collection method: clinical testing. Allele origin: germline.

Blueprint Genetics
Classification: Likely benign. Last evaluated: 2024-11-27. Review status: criteria provided, single submitter. Criteria: ACMG Guidelines, 2015. Collection method: clinical testing. Allele origin: germline.

ARUP Laboratories, Molecular Genetics and Genomics, ARUP Laboratories
Classification: Benign. Last evaluated: 2024-04-16. Review status: criteria provided, single submitter. Criteria: ARUP Molecular Germline Variant Investigation Process 2024. Collection method: clinical testing. Allele origin: germline.

GeneDx
Classification: Likely benign. Last evaluated: 2017-12-18. Review status: criteria provided, single submitter. Criteria: GeneDx Variant Classification (06012015). Collection method: clinical testing. Allele origin: germline. Affected: yes.
Comment: This variant is considered likely benign or benign based on one or more of the following criteria: it is a conservative change, it occurs at a poorly conserved position in the protein, it is predicted to be benign by multiple in silico algorithms, and/or has population frequency not consistent with disease.

Breakthrough Genomics
Classification: Likely benign. Review status: criteria provided, single submitter. Criteria: ACMG Guidelines, 2015. Collection method: not provided. Allele origin: germline. Inheritance: Autosomal recessive inheritance. Affected: yes.

Molecular Genetics Laboratory, London Health Sciences Centre
Classification: Benign for Charcot-Marie-Tooth disease. Review status: criteria provided, single submitter. Criteria: ACMG Guidelines, 2015. Collection method: clinical testing. Allele origin: germline. Affected: yes.

Clinical Genetics, Academic Medical Center
Classification: Benign. Review status: no assertion criteria provided. Collection method: clinical testing. Allele origin: germline. Affected: yes. Study: VKGL Data-share Consensus. Not counted in ClinVar's aggregate classification.

Genome Diagnostics Laboratory, University Medical Center Utrecht
Classification: Likely benign. Review status: no assertion criteria provided. Collection method: clinical testing. Allele origin: germline. Affected: yes. Study: VKGL Data-share Consensus. Not counted in ClinVar's aggregate classification.

NM_004990.4(MARS1):c.280-14C>T

Gene: MARS1 (methionyl-tRNA synthetase 1; plus strand). Cytogenetic location: 12q13.3.
Variant type: single nucleotide variant.
Coding change: c.280-14C>T on transcript NM_004990.4 (MANE Select); 14 bases into the intron before coding-DNA position 280, C replaced by T.
Molecular consequence: intron variant.
Genome position (GRCh38, 1-based): chr12:57,489,410, C>T. VCF-style: chr12-57489410-C-T. GRCh37 (hg19) VCF-style: chr12-57883193-C-T.
Identifiers: ClinVar variation 380040 (VCV000380040.61), dbSNP rs183195960, ClinGen allele CA6650127.